The following is an entry in ClinVar:

NM_000719.7(CACNA1C):c.5657G>A (p.Gly1886Asp)

Genes: CACNA1C (calcium voltage-gated channel subunit alpha1 C; plus strand), CACNA1C-AS1 (CACNA1C antisense RNA 1; minus strand). Cytogenetic location: 12p13.33.
Variant type: single nucleotide variant.
Coding change: c.5657G>A on transcript NM_000719.7 (MANE Select); coding-DNA position 5657, G replaced by A.
Protein change: p.Gly1886Asp; replaces glycine 1886 with aspartic acid.
Molecular consequence: missense variant.
Genome position (GRCh38, 1-based): chr12:2,685,819, G>A. VCF-style: chr12-2685819-G-A. GRCh37 (hg19) VCF-style: chr12-2794985-G-A.
Other names: c.5801G>A, p.Gly1934Asp (NM_001129827.2); c.5780G>A, p.Gly1927Asp (NM_001129829.2); c.5762G>A, p.Gly1921Asp (NM_001129830.3, NM_001167624.3); c.5741G>A, p.Gly1914Asp (NM_001129831.2); c.5717G>A, p.Gly1906Asp (NM_001129832.2); c.5714G>A, p.Gly1905Asp (NM_001129833.2, NM_001129834.2, NM_001129835.2); c.5708G>A, p.Gly1903Asp (NM_001129836.2); c.5681G>A, p.Gly1894Asp (NM_001129837.2, NM_001129838.2); and 6 more; short protein forms G1894D, G1927D, G1946D, G1886D, G1892D, G1906D, G1903D, G1905D.
Identifiers: ClinVar variation 2347940 (VCV002347940.3), dbSNP rs748198629, ClinGen allele CA6389917.

ClinVar aggregate classification (germline): Conflicting classifications of pathogenicity. Review status: criteria provided, conflicting classifications (1 of 4 stars). 2 submissions from 2 submitters: Uncertain significance (1); Likely benign (1). Last evaluated 2025-11-18.

Conditions:
Long QT syndrome (LQTS). Identifiers: MedGen C0023976, MeSH D008133, MONDO:0002442. Disease mechanism: loss of function. Inheritance: Various modes of inheritance.
Cardiovascular phenotype. Identifiers: MedGen CN230736.

Allele frequency attached by ClinVar (database versions not stated): ExAC 0.00001.
gnomAD v4.1: 2 of 1,613,306 alleles (0.00012%); highest among the groups gnomAD compares: South Asian, 0.0022%; no homozygotes.

Submissions (2):

Labcorp Genetics (formerly Invitae), Labcorp
Classification: Uncertain significance for Long QT syndrome. Last evaluated: 2025-11-18. Review status: criteria provided, single submitter. Criteria: Invitae Variant Classification Sherloc (09022015). Collection method: clinical testing. Allele origin: germline.
Comment: This sequence change replaces glycine, which is neutral and non-polar, with aspartic acid, which is acidic and polar, at codon 1886 of the CACNA1C protein (p.Gly1886Asp). This variant is present in population databases (rs748198629, gnomAD 0.006%). This variant has not been reported in the literature in individuals affected with CACNA1C-related conditions. ClinVar contains an entry for this variant (Variation ID: 2347940). Invitae Evidence Modeling of protein sequence and biophysical properties (such as structural, functional, and spatial information, amino acid conservation, physicochemical variation, residue mobility, and thermodynamic stability) indicates that this missense variant is not expected to disrupt CACNA1C protein function with a negative predictive value of 95%. In summary, the available evidence is currently insufficient to determine the role of this variant in disease. Therefore, it has been classified as a Variant of Uncertain Significance.

Ambry Genetics
Classification: Likely benign for Cardiovascular phenotype. Last evaluated: 2021-10-02. Review status: criteria provided, single submitter. Criteria: Ambry Variant Classification Scheme 2023. Collection method: clinical testing. Allele origin: germline.